The following is an entry in ClinVar:

ClinVar aggregate classification (germline): Uncertain significance. Review status: criteria provided, multiple submitters, no conflicts (2 of 4 stars). 2 submissions from 2 submitters: Uncertain significance (2). Last evaluated 2025-06-19.

Conditions:
Inborn genetic diseases. Identifiers: MedGen C0950123, MeSH D030342.
SLC4A3-related disorder. Also called: SLC4A3-related condition.

gnomAD v4.1: 15 of 1,612,578 alleles (0.00093%); highest among the groups gnomAD compares: East Asian, 0.0067%; no homozygotes.

Submissions (2):

Ambry Genetics
Classification: Uncertain significance for Inborn genetic diseases. Last evaluated: 2025-06-19. Review status: criteria provided, single submitter. Criteria: Ambry Variant Classification Scheme 2023. Collection method: clinical testing. Allele origin: germline.

PreventionGenetics, part of Exact Sciences
Classification: Uncertain significance for SLC4A3-related condition. Last evaluated: 2025-02-06. Review status: criteria provided, single submitter. Criteria: ACMG Guidelines, 2015. Collection method: clinical testing. Allele origin: germline.
Comment: The SLC4A3 c.2030G>A variant is predicted to result in the amino acid substitution p.Gly677Asp. To our knowledge, this variant has not been reported in the literature. This variant is reported in 0.010% of alleles in individuals of East Asian descent in gnomAD. At this time, the clinical significance of this variant is uncertain due to the absence of conclusive functional and genetic evidence.

NM_005070.4(SLC4A3):c.1949G>A (p.Gly650Asp)

Gene: SLC4A3 (solute carrier family 4 member 3; plus strand). Cytogenetic location: 2q35.
Variant type: single nucleotide variant.
Coding change: c.1949G>A on transcript NM_005070.4 (MANE Select); coding-DNA position 1949, G replaced by A.
Protein change: p.Gly650Asp; replaces glycine 650 with aspartic acid.
Molecular consequence: missense variant. On other transcripts: non-coding transcript variant (1).
Genome position (GRCh38, 1-based): chr2:219,635,473, G>A. VCF-style: chr2-219635473-G-A. GRCh37 (hg19) VCF-style: chr2-220500195-G-A.
Other names: c.1355G>A, p.Gly452Asp (NM_001438864.1); c.2030G>A, p.Gly677Asp (NM_201574.3, NM_001326559.2); c.1949G>A, p.Gly650Asp (NM_001438863.1); short protein forms G677D, G452D, G650D.
Identifiers: ClinVar variation 4168622 (VCV004168622.2).